The following is an entry in ClinVar:

ClinVar aggregate classification (germline): Uncertain significance. Review status: criteria provided, multiple submitters, no conflicts (2 of 4 stars). 2 submissions from 2 submitters: Uncertain significance (2). Last evaluated 2023-08-24.

Conditions:
Autosomal recessive limb-girdle muscular dystrophy type 2J (LGMDR10). Also called: MUSCULAR DYSTROPHY, LIMB-GIRDLE, AUTOSOMAL RECESSIVE 10; Limb-girdle muscular dystrophy, type 2J. Identifiers: Orphanet 140922, MedGen C1837342, MONDO:0012127, OMIM 608807.
Dilated cardiomyopathy 1G (CMD1G). Identifiers: Orphanet 154, MedGen C1858763, MONDO:0011400, OMIM 604145.

Submissions (2):

Mayo Clinic Laboratories, Mayo Clinic
Classification: Uncertain significance. Last evaluated: 2023-08-24. Review status: criteria provided, single submitter. Criteria: ACMG Guidelines, 2015. Collection method: clinical testing. Allele origin: germline. Observed: 1 variant allele.
Comment: PP3, PM2

Labcorp Genetics (formerly Invitae), Labcorp
Classification: Uncertain significance for Dilated cardiomyopathy 1G; Autosomal recessive limb-girdle muscular dystrophy type 2J. Last evaluated: 2023-03-18. Review status: criteria provided, single submitter. Criteria: Invitae Variant Classification Sherloc (09022015). Collection method: clinical testing. Allele origin: germline.
Comment: This variant is not present in population databases (gnomAD no frequency). This sequence change replaces cysteine, which is neutral and slightly polar, with tyrosine, which is neutral and polar, at codon 34209 of the TTN protein (p.Cys34209Tyr). This variant has not been reported in the literature in individuals affected with TTN-related conditions. ClinVar contains an entry for this variant (Variation ID: 1402555). Experimental studies and prediction algorithms are not available or were not evaluated, and the functional significance of this variant is currently unknown. This variant is located in the M band of TTN (PMID: 25589632). Variants in this region may be relevant for neuromuscular disorders, but have not been definitively shown to cause cardiomyopathy (PMID: 23975875). In summary, the available evidence is currently insufficient to determine the role of this variant in disease. Therefore, it has been classified as a Variant of Uncertain Significance.

Literature cited by the submitters: PubMed 25589632 (cited by Labcorp Genetics (formerly Invitae), Labcorp); PubMed 23975875 (cited by Labcorp Genetics (formerly Invitae), Labcorp).

NM_001267550.2(TTN):c.102626G>A (p.Cys34209Tyr)

Genes: TTN (titin; minus strand), TTN-AS1 (TTN antisense RNA 1; plus strand). Cytogenetic location: 2q31.2.
Variant type: single nucleotide variant.
Coding change: c.102626G>A on transcript NM_001267550.2 (MANE Select); coding-DNA position 102626, G replaced by A.
Protein change: p.Cys34209Tyr; replaces cysteine 34209 with tyrosine.
Molecular consequence: missense variant.
Genome position (GRCh38, 1-based): chr2:178,533,989, C>T on the plus strand (G>A on the coding strand, the complement: TTN is on the minus strand). VCF-style: chr2-178533989-C-T. GRCh37 (hg19) VCF-style: chr2-179398716-C-T.
Other names: p.Cys32568Tyr; c.97703G>A, p.Cys32568Tyr (NM_001256850.1); c.75431G>A, p.Cys25144Tyr (NM_003319.4); c.94922G>A, p.Cys31641Tyr (NM_133378.4); c.75806G>A, p.Cys25269Tyr (NM_133432.3); c.76007G>A, p.Cys25336Tyr (NM_133437.4); short protein forms C25144Y, C31641Y, C25269Y, C32568Y, C25336Y, C34209Y.
Identifiers: ClinVar variation 1402555 (VCV001402555.7), dbSNP rs2154135569, ClinGen allele CA349417119.
Genomic context (GRCh38, chr2:178,533,989, plus strand): 5'-ACACCTTTAACAAATAGCTCTGCATAAGAACTGTCTTCACCATAGTCATTGACTACTTTG[C>T]ATCTGTAGGTACCATCATCTAATTTGGTAATGTCTTTGACATAGAGGATGGCCACTCCAT-3'
Protein context (NP_001254479.2, residues 34199-34219): ITKLDDGTYR[Cys34209Tyr]KVVNDYGEDS